The following is an entry in ClinVar:

NC_012920.1(MT-TC):m.5774T>G

Gene: MT-TC (mitochondrially encoded tRNA cysteine; minus strand).
Variant type: single nucleotide variant.
Genome position: chrM-5774-T-G.
Identifiers: ClinVar variation 689984 (VCV000689984.1), dbSNP rs1603220102, ClinGen allele CA913180419.

ClinVar aggregate classification (germline): Benign (1 of 4 stars; one submission).

Conditions:
MELAS syndrome (MELAS). Also called: Juvenile myopathy, encephalopathy, lactic acidosis, stroke. Identifiers: Orphanet 550, MedGen C0162671, MONDO:0010789, OMIM 540000.

Submission:

Wong Mito Lab, Molecular and Human Genetics, Baylor College of Medicine
Classification: Benign for MELAS syndrome. Last evaluated: 2019-07-12. Review status: criteria provided, single submitter. Criteria: Modified ACMG Guidelines (Unpublished). Collection method: clinical testing. Allele origin: germline.
Comment: The NC_012920.1:m.5774T>G variant in MT-TC gene is interpreted to be a Benign variant based on the modified ACMG guidelines (unpublished). This variant meets the following evidence codes reported in the guidelines: BS1, BS2, BP4

Literature cited by the submitters: PubMed 31965079.